The following is an entry in ClinVar:

NM_015046.7(SETX):c.3576T>G (p.Asp1192Glu)

Gene: SETX (senataxin; minus strand). Cytogenetic location: 9q34.13.
Variant type: single nucleotide variant.
Coding change: c.3576T>G on transcript NM_015046.7 (MANE Select); coding-DNA position 3576, T replaced by G.
Protein change: p.Asp1192Glu; replaces aspartic acid 1192 with glutamic acid.
Molecular consequence: missense variant.
Genome position (GRCh38, 1-based): chr9:132,328,022, A>C on the plus strand (T>G on the coding strand, the complement: SETX is on the minus strand). VCF-style: chr9-132328022-A-C. GRCh37 (hg19) VCF-style: chr9-135203409-A-C.
Other names: c.3576T>G, p.Asp1192Glu (NM_001351527.2, NM_001351528.2); short protein forms D1192E.
Identifiers: ClinVar variation 95661 (VCV000095661.80), dbSNP rs1185193, ClinGen allele CA148713.

ClinVar aggregate classification (germline): Benign. Review status: criteria provided, multiple submitters, no conflicts (2 of 4 stars). 20 submissions from 18 submitters: Benign (14). 6 of the submissions do not count toward it. Last evaluated 2026-02-04.

Conditions:
Amyotrophic lateral sclerosis type 4 (ALS4). Also called: AMYOTROPHIC LATERAL SCLEROSIS 4, JUVENILE; NEURONOPATHY, DISTAL HEREDITARY MOTOR, WITH PYRAMIDAL FEATURES. Identifiers: Orphanet 357043, MedGen C1865409, MONDO:0011223, OMIM 602433.
Spinocerebellar ataxia, autosomal recessive, with axonal neuropathy 2 (SCAN2). Also called: Ataxia-ocular apraxia-2; Ataxia with Oculomotor Apraxia Type 2; ATAXIA-OCULOMOTOR APRAXIA 2; Ataxia with Oculomotor Apraxia. Identifiers: Orphanet 64753, MedGen C1853761, MONDO:0018996, OMIM 606002.

Allele frequency attached by ClinVar (database versions not stated): 1000 Genomes Project 30x 0.64819; TOPMed 0.75776; 1000 Genomes Project 0.64058; gnomAD 0.76694; ESP Exome Variant Server 0.79294.
gnomAD v4.1: 1,320,243 of 1,613,658 alleles (82%); highest among the groups gnomAD compares: Non-Finnish European, 86%; 550,679 homozygotes.

Submissions (20):

Labcorp Genetics (formerly Invitae), Labcorp
Classification: Benign for Amyotrophic lateral sclerosis type 4; Spinocerebellar ataxia, autosomal recessive, with axonal neuropathy 2. Last evaluated: 2026-02-04. Review status: criteria provided, single submitter. Criteria: Invitae Variant Classification Sherloc (09022015). Collection method: clinical testing. Allele origin: germline.

ARUP Laboratories, Molecular Genetics and Genomics, ARUP Laboratories
Classification: Benign. Last evaluated: 2025-07-30. Review status: criteria provided, single submitter. Criteria: ARUP Molecular Germline Variant Investigation Process 2024. Collection method: clinical testing. Allele origin: germline.

Blueprint Genetics
Classification: Benign. Last evaluated: 2024-11-27. Review status: criteria provided, single submitter. Criteria: ACMG Guidelines, 2015. Collection method: clinical testing. Allele origin: germline.

Genome-Nilou Lab
Classification: Benign for Amyotrophic lateral sclerosis type 4. Last evaluated: 2021-07-15. Review status: criteria provided, single submitter. Criteria: ACMG Guidelines, 2015. Collection method: clinical testing. Allele origin: germline. Affected: no.

Genome-Nilou Lab
Classification: Benign for Spinocerebellar ataxia, autosomal recessive, with axonal neuropathy 2. Last evaluated: 2021-07-15. Review status: criteria provided, single submitter. Criteria: ACMG Guidelines, 2015. Collection method: clinical testing. Allele origin: germline. Affected: no.

Illumina Laboratory Services, Illumina
Classification: Benign for Spinocerebellar ataxia, autosomal recessive, with axonal neuropathy 2. Last evaluated: 2018-01-13. Review status: criteria provided, single submitter. Criteria: ICSL Variant Classification Criteria 13 December 2019. Collection method: clinical testing. Allele origin: germline.
Comment: This variant was observed in the ICSL laboratory as part of a predisposition screen in an ostensibly healthy population. It had not been previously curated by ICSL or reported in the Human Gene Mutation Database (HGMD: prior to June 1st, 2018), and was therefore a candidate for classification through an automated scoring system. Utilizing variant allele frequency, disease prevalence and penetrance estimates, and inheritance mode, an automated score was calculated to assess if this variant is too frequent to cause the disease. Based on the score and internal cut-off values, a variant classified as benign is not then subjected to further curation. The score for this variant resulted in a classification of benign for this disease.

Illumina Laboratory Services, Illumina
Classification: Benign for Amyotrophic lateral sclerosis type 4. Last evaluated: 2018-01-13. Review status: criteria provided, single submitter. Criteria: ICSL Variant Classification Criteria 13 December 2019. Collection method: clinical testing. Allele origin: germline.
Comment: the same text as in the submission from Illumina Laboratory Services, Illumina above.

Athena Diagnostics
Classification: Benign. Last evaluated: 2017-04-12. Review status: criteria provided, single submitter. Criteria: Athena Diagnostics Criteria. Collection method: clinical testing. Allele origin: germline.

GeneDx
Classification: Benign. Last evaluated: 2017-03-20. Review status: criteria provided, single submitter. Criteria: GeneDx Variant Classification (06012015). Collection method: clinical testing. Allele origin: germline. Affected: yes.
Comment: This variant is considered likely benign or benign based on one or more of the following criteria: it is a conservative change, it occurs at a poorly conserved position in the protein, it is predicted to be benign by multiple in silico algorithms, and/or has population frequency not consistent with disease.

Laboratory for Molecular Medicine, Mass General Brigham Personalized Medicine
Classification: Benign. Last evaluated: 2016-03-29. Review status: criteria provided, single submitter. Criteria: LMM Criteria. Collection method: clinical testing. Allele origin: germline.
Comment: Variant identified in a genome or exome case(s) and assessed due to predicted null impact of the variant or pathogenic assertions in the literature or databases. Disclaimer: This variant has not undergone full assessment. The following are preliminary notes: Frequency, 2 labs classify as benign/LB in clinvar

Mayo Clinic Laboratories, Mayo Clinic
Classification: Benign. Last evaluated: 2015-09-09. Review status: criteria provided, single submitter. Criteria: ACMG Guidelines, 2015. Collection method: clinical testing. Allele origin: germline. Observed: 2,594 variant alleles.

Eurofins Ntd Llc (ga)
Classification: Benign. Last evaluated: 2013-07-24. Review status: criteria provided, single submitter. Criteria: EGL Classification Definitions 2015. Collection method: clinical testing. Allele origin: germline. Observed: 11 variant alleles, 2 heterozygotes, 9 homozygotes.

Breakthrough Genomics
Classification: Benign. Review status: criteria provided, single submitter. Criteria: ACMG Guidelines, 2015. Collection method: not provided. Allele origin: germline. Inheritance: Autosomal recessive inheritance. Affected: yes.

PreventionGenetics, part of Exact Sciences
Classification: Benign. Review status: criteria provided, single submitter. Criteria: ACMG Guidelines, 2015. Collection method: clinical testing. Allele origin: germline.

Clinical Genetics DNA and cytogenetics Diagnostics Lab, Erasmus MC, Erasmus Medical Center
Classification: Benign. Review status: no assertion criteria provided. Collection method: clinical testing. Allele origin: germline. Affected: yes. Study: VKGL Data-share Consensus. Not counted in ClinVar's aggregate classification.

Clinical Genetics, Academic Medical Center
Classification: Benign. Review status: no assertion criteria provided. Collection method: clinical testing. Allele origin: germline. Affected: yes. Study: VKGL Data-share Consensus. Not counted in ClinVar's aggregate classification.

Diagnostic Laboratory, Department of Genetics, University Medical Center Groningen
Classification: Benign. Review status: no assertion criteria provided. Collection method: clinical testing. Allele origin: germline. Affected: yes. Study: VKGL Data-share Consensus. Not counted in ClinVar's aggregate classification.

Genetic Services Laboratory, University of Chicago
Classification: Likely benign for AllHighlyPenetrant. Review status: no assertion criteria provided. Collection method: clinical testing. Allele origin: germline. Not counted in ClinVar's aggregate classification.
Comment: Likely benign based on allele frequency in 1000 Genomes Project or ESP global frequency and its presence in a patient with a rare or unrelated disease phenotype. NOT Sanger confirmed.

Genome Diagnostics Laboratory, Amsterdam University Medical Center
Classification: Benign. Review status: no assertion criteria provided. Collection method: clinical testing. Allele origin: germline. Affected: yes. Study: VKGL Data-share Consensus. Not counted in ClinVar's aggregate classification.

Genome Diagnostics Laboratory, University Medical Center Utrecht
Classification: Benign. Review status: no assertion criteria provided. Collection method: clinical testing. Allele origin: germline. Affected: yes. Study: VKGL Data-share Consensus. Not counted in ClinVar's aggregate classification.